The following is an entry in ClinVar:

ClinVar aggregate classification (germline): Likely pathogenic (1 of 4 stars; one submission).

Submission:

Labcorp Genetics (formerly Invitae), Labcorp
Classification: Likely pathogenic. Last evaluated: 2025-03-12. Review status: criteria provided, single submitter. Criteria: Invitae Variant Classification Sherloc (09022015). Collection method: clinical testing. Allele origin: germline.
Comment: This sequence change affects a splice site in intron 9 of the PDE6B gene. It is expected to disrupt RNA splicing. Variants that disrupt the donor or acceptor splice site typically lead to a loss of protein function (PMID: 16199547), and loss-of-function variants in PDE6B are known to be pathogenic (PMID: 8394174, 8595886, 22334370). This variant is not present in population databases (gnomAD no frequency). Disruption of this splice site has been observed in individual(s) with retinitis pigmentosa (internal data). ClinVar contains an entry for this variant (Variation ID: 3391815). Algorithms developed to predict the effect of sequence changes on RNA splicing suggest that this variant may disrupt the consensus splice site. In summary, the currently available evidence indicates that the variant is pathogenic, but additional data are needed to prove that conclusively. Therefore, this variant has been classified as Likely Pathogenic.

Literature cited by the submitters: PubMed 16199547; PubMed 8394174; PubMed 8595886; PubMed 22334370.

NM_000283.4(PDE6B):c.1257+1_1257+13del

Gene: PDE6B (phosphodiesterase 6B; plus strand). Cytogenetic location: 4p16.3.
Variant type: Deletion.
Coding change: c.1257+1_1257+13del on transcript NM_000283.4 (MANE Select); the canonical splice donor site of the intron after coding-DNA position 1257 through 13 bases into the intron after coding-DNA position 1257, 13 bases deleted (GTAAGCACCTGGG).
Molecular consequence: splice donor variant.
Genome position (GRCh38, 1-based): chr4:657,024-657,036, GTAAGCACCTGGG deleted; deleting any 13 consecutive bases within chr4:657,023-657,036 gives the same sequence; the c. name uses the placement nearest the transcript's 3' end. VCF-style (leftmost placement, unchanged base first): chr4-657022-AGGTAAGCACCTGG-A. GRCh37 (hg19) VCF-style: chr4-650811-AGGTAAGCACCTGG-A.
Other names: c.1257+1_1257+13del (NM_001145291.2); c.420+1_420+13del (NM_001379246.1, NM_001379247.1, NM_001145292.2 and 1 more transcripts); c.102+1_102+13del (NM_001350155.3).
Identifiers: ClinVar variation 4713957 (VCV004713957.1).